The following is an entry in ClinVar:

ClinVar aggregate classification (germline): Uncertain significance (1 of 4 stars; one submission).

Conditions:
POLD1-related polyposis and colorectal cancer syndrome (CRCS10). Also called: Colorectal cancer 10; COLORECTAL CANCER, SUSCEPTIBILITY TO, ON CHROMOSOME 19q; Colorectal cancer, susceptibility to, 10. Identifiers: Orphanet 220460, MedGen C2675481, MONDO:0012953, OMIM 612591.

Submission:

Labcorp Genetics (formerly Invitae), Labcorp
Classification: Uncertain significance for POLD1-related polyposis and colorectal cancer syndrome. Last evaluated: 2022-06-26. Review status: criteria provided, single submitter. Criteria: Invitae Variant Classification Sherloc (09022015). Collection method: clinical testing. Allele origin: germline.
Comment: Algorithms developed to predict the effect of sequence changes on RNA splicing suggest that this variant may disrupt the consensus splice site. This variant has not been reported in the literature in individuals affected with POLD1-related conditions. This variant is not present in population databases (gnomAD no frequency). This sequence change falls in intron 25 of the POLD1 gene. It does not directly change the encoded amino acid sequence of the POLD1 protein. In summary, the available evidence is currently insufficient to determine the role of this variant in disease. Therefore, it has been classified as a Variant of Uncertain Significance.

NM_002691.4(POLD1):c.3120+14_3120+32del

Gene: POLD1 (DNA polymerase delta 1, catalytic subunit; plus strand). Cytogenetic location: 19q13.33.
Variant type: Deletion.
Coding change: c.3120+14_3120+32del on transcript NM_002691.4 (MANE Select); bases 14 to 32 of the intron after coding-DNA position 3120, 19 bases deleted (GAGGTGAGGAGGGGCCAGG).
Molecular consequence: intron variant.
Genome position (GRCh38, 1-based): chr19:50,417,111-50,417,129, GAGGTGAGGAGGGGCCAGG deleted; deleting any 19 consecutive bases within chr19:50,417,109-50,417,129 gives the same sequence; the c. name uses the placement nearest the transcript's 3' end. VCF-style (leftmost placement, unchanged base first): chr19-50417108-CGGGAGGTGAGGAGGGGCCA-C. GRCh37 (hg19) VCF-style: chr19-50920365-CGGGAGGTGAGGAGGGGCCA-C.
Other names: c.3120+14_3120+32del (NM_001256849.1); c.3198+14_3198+32del (NM_001308632.1).
Identifiers: ClinVar variation 2009590 (VCV002009590.4), dbSNP rs2514075414, ClinGen allele CA2580097858.
Genomic context (GRCh38, chr19:50,417,108, plus strand): 5'-CCGTGTGTGAGTTCTGCCAGCCCCGGGAGTCTGAGCTGTATCAGAAGGAGGTGAGAGGGC[CGGGAGGTGAGGAGGGGCCA>C]GGTGGGGAGGCGGGGGCGCCCTGCTCAGCCGCTGCCGTCCCCAGGTATCCCATCTGAATG-3'